The following is an entry in ClinVar:

ClinVar aggregate classification (germline): Uncertain significance. Review status: criteria provided, multiple submitters, no conflicts (2 of 4 stars). 3 submissions from 3 submitters: Uncertain significance (3). Last evaluated 2026-01-26.

Conditions:
Hypertrophic cardiomyopathy 1 (CMH1). Also called: Familial hypertrophic cardiomyopathy 1; MYH7-Related Familial Hypertrophic Cardiomyopathy. Identifiers: MedGen C3495498, MONDO:0008647, OMIM 192600.
Cardiomyopathy (CMYO). Also called: Cardiomyopathies. Identifiers: Orphanet 167848, MedGen C0878544, MONDO:0004994, HP:0001638. Inheritance: Various modes of inheritance.

gnomAD v4.1: 2 of 1,610,278 alleles (0.00012%); highest among the groups gnomAD compares: African/African-American, 0.0013%; no homozygotes.

Submissions (3):

Labcorp Genetics (formerly Invitae), Labcorp
Classification: Uncertain significance for Hypertrophic cardiomyopathy 1. Last evaluated: 2026-01-26. Review status: criteria provided, single submitter. Criteria: Invitae Variant Classification Sherloc (09022015). Collection method: clinical testing. Allele origin: germline.
Comment: This sequence change replaces glutamic acid, which is acidic and polar, with aspartic acid, which is acidic and polar, at codon 134 of the MYLK2 protein (p.Glu134Asp). This variant is not present in population databases (gnomAD no frequency). This variant has not been reported in the literature in individuals affected with MYLK2-related conditions. ClinVar contains an entry for this variant (Variation ID: 626848). Invitae Evidence Modeling of protein sequence and biophysical properties (such as structural, functional, and spatial information, amino acid conservation, physicochemical variation, residue mobility, and thermodynamic stability) indicates that this missense variant is not expected to disrupt MYLK2 protein function with a negative predictive value of 80%. In summary, the available evidence is currently insufficient to determine the role of this variant in disease. Therefore, it has been classified as a Variant of Uncertain Significance.

Ambry Genetics
Classification: Uncertain significance. Last evaluated: 2025-04-01. Review status: criteria provided, single submitter. Criteria: Ambry Variant Classification Scheme 2023. Collection method: clinical testing. Allele origin: germline.

CHEO Genetics Diagnostic Laboratory, Children's Hospital of Eastern Ontario
Classification: Uncertain significance for Cardiomyopathy. Last evaluated: 2016-12-02. Review status: criteria provided, single submitter. Criteria: ACMG Guidelines, 2015. Collection method: clinical testing. Allele origin: germline. Study: Canadian Open Genetics Repository.

NM_033118.4(MYLK2):c.402G>T (p.Glu134Asp)

Gene: MYLK2 (myosin light chain kinase 2; plus strand). Cytogenetic location: 20q11.21.
Variant type: single nucleotide variant.
Coding change: c.402G>T on transcript NM_033118.4 (MANE Select); coding-DNA position 402, G replaced by T.
Protein change: p.Glu134Asp; replaces glutamic acid 134 with aspartic acid.
Molecular consequence: missense variant.
Genome position (GRCh38, 1-based): chr20:31,820,475, G>T. VCF-style: chr20-31820475-G-T. GRCh37 (hg19) VCF-style: chr20-30408278-G-T.
Other names: short protein forms E134D.
Identifiers: ClinVar variation 626848 (VCV000626848.8), dbSNP rs768092962, ClinGen allele CA313849715.